The following is an entry in ClinVar:

NM_058004.4(PI4KA):c.1015A>G (p.Ile339Val)

Gene: PI4KA (phosphatidylinositol 4-kinase alpha; minus strand). Cytogenetic location: 22q11.21.
Variant type: single nucleotide variant.
Coding change: c.1015A>G on transcript NM_058004.4 (MANE Select); coding-DNA position 1015, A replaced by G.
Protein change: p.Ile339Val; replaces isoleucine 339 with valine.
Molecular consequence: missense variant. On other transcripts: intron variant (1).
Genome position (GRCh38, 1-based): chr22:20,811,023, T>C on the plus strand (A>G on the coding strand, the complement: PI4KA is on the minus strand). VCF-style: chr22-20811023-T-C. GRCh37 (hg19) VCF-style: chr22-21165311-T-C.
Other names: c.1015A>G, p.Ile339Val (NM_001362862.2); c.1005+2335A>G (NM_001362863.2); short protein forms I339V.
Identifiers: ClinVar variation 2442631 (VCV002442631.4), dbSNP rs61752248, ClinGen allele CA10116606.

ClinVar aggregate classification (germline): Likely benign. Review status: criteria provided, single submitter (1 of 4 stars). 2 submissions from 2 submitters: Likely benign (1). 1 of the submissions does not count toward it. Last evaluated 2023-05-03.

Conditions:
PI4KA-related disorder. Also called: PI4KA-related condition; PI4KA-related disorders. Identifiers: MedGen CN378147, MONDO:1040012.

Allele frequency attached by ClinVar (database versions not stated): TOPMed 0.00803; 1000 Genomes Project 30x 0.00906; ESP Exome Variant Server 0.00961; 1000 Genomes Project 0.00978.
gnomAD v4.1: 22,311 of 1,612,720 alleles (1.4%); highest among the groups gnomAD compares: South Asian, 2.8%; 219 homozygotes.

Submissions (2):

GeneDx
Classification: Likely benign. Last evaluated: 2023-05-03. Review status: criteria provided, single submitter. Criteria: GeneDx Variant Classification Process June 2021. Collection method: clinical testing. Allele origin: germline. Affected: yes.
Comment: See Variant Classification Assertion Criteria.

PreventionGenetics, part of Exact Sciences
Classification: Benign for PI4KA-related condition. Last evaluated: 2019-12-12. Review status: no assertion criteria provided. Collection method: clinical testing. Allele origin: germline. Not counted in ClinVar's aggregate classification.
Comment: This variant is classified as benign based on ACMG/AMP sequence variant interpretation guidelines (Richards et al. 2015 PMID: 25741868, with internal and published modifications).